The following is an entry in ClinVar:

NM_014391.3(ANKRD1):c.696T>A (p.Tyr232Ter)

Gene: ANKRD1 (ankyrin repeat domain 1; minus strand). Cytogenetic location: 10q23.31.
Variant type: single nucleotide variant.
Coding change: c.696T>A on transcript NM_014391.3 (MANE Select); coding-DNA position 696, T replaced by A.
Protein change: p.Tyr232Ter; replaces tyrosine 232 with a stop codon.
Molecular consequence: nonsense.
Genome position (GRCh38, 1-based): chr10:90,915,836, A>T on the plus strand (T>A on the coding strand, the complement: ANKRD1 is on the minus strand). VCF-style: chr10-90915836-A-T. GRCh37 (hg19) VCF-style: chr10-92675593-A-T.
Other names: short protein forms Y232*.
Identifiers: ClinVar variation 1756384 (VCV001756384.2), dbSNP rs1589508855, ClinGen allele CA377550330.

ClinVar aggregate classification (germline): Uncertain significance (1 of 4 stars; one submission).

Conditions:
Cardiovascular phenotype. Identifiers: MedGen CN230736.

Allele frequency attached by ClinVar (database versions not stated): gnomAD exomes below 0.00001.
gnomAD v4.1: 1 of 1,613,558 alleles (0.000062%); highest among the groups gnomAD compares: Non-Finnish European, 0.000085%; no homozygotes.

Submission:

Ambry Genetics
Classification: Uncertain significance for Cardiovascular phenotype. Last evaluated: 2020-11-24. Review status: criteria provided, single submitter. Criteria: Ambry Variant Classification Scheme 2023. Collection method: clinical testing. Allele origin: germline.
Comment: The p.Y232* variant (also known as c.696T>A), located in coding exon 7 of the ANKRD1 gene, results from a T to A substitution at nucleotide position 696. This changes the amino acid from a tyrosine to a stop codon within coding exon 7. This alteration is expected to result in premature protein truncation or nonsense-mediated mRNA decay. However, loss of function of ANKRD1 has not been clearly established as a mechanism of disease. Since supporting evidence is limited at this time, the clinical significance of this alteration remains unclear.